The following is an entry in ClinVar:

ClinVar aggregate classification (germline): Uncertain significance (1 of 4 stars; one submission).

Conditions:
Inborn genetic diseases. Identifiers: MedGen C0950123, MeSH D030342.

Submission:

Ambry Genetics
Classification: Uncertain significance for Inborn genetic diseases. Last evaluated: 2024-08-13. Review status: criteria provided, single submitter. Criteria: Ambry Variant Classification Scheme 2023. Collection method: clinical testing. Allele origin: germline.
Comment: The p.H39R variant (also known as c.116A>G), located in coding exon 2 of the EPAS1 gene, results from an A to G substitution at nucleotide position 116. The histidine at codon 39 is replaced by arginine, an amino acid with highly similar properties. This amino acid position is conserved. In addition, this alteration is predicted to be tolerated by in silico analysis. Based on the available evidence, the clinical significance of this variant remains unclear.

NM_001430.5(EPAS1):c.116A>G (p.His39Arg)

Gene: EPAS1 (endothelial PAS domain protein 1; plus strand). Cytogenetic location: 2p21.
Variant type: single nucleotide variant.
Coding change: c.116A>G on transcript NM_001430.5 (MANE Select); coding-DNA position 116, A replaced by G.
Protein change: p.His39Arg; replaces histidine 39 with arginine.
Molecular consequence: missense variant.
Genome position (GRCh38, 1-based): chr2:46,346,962, A>G. VCF-style: chr2-46346962-A-G. GRCh37 (hg19) VCF-style: chr2-46574101-A-G.
Other names: short protein forms H39R.
Identifiers: ClinVar variation 3508969 (VCV003508969.1).